The following is an entry in ClinVar:

ClinVar aggregate classification (germline): Uncertain significance (1 of 4 stars; one submission).

Conditions:
Lethal multiple pterygium syndrome (LMPS). Identifiers: Orphanet 33108, MedGen C1854678, MONDO:0009668, OMIM 253290.

Submission:

Labcorp Genetics (formerly Invitae), Labcorp
Classification: Uncertain significance for Lethal multiple pterygium syndrome. Last evaluated: 2022-07-19. Review status: criteria provided, single submitter. Criteria: Invitae Variant Classification Sherloc (09022015). Collection method: clinical testing. Allele origin: germline.
Comment: In summary, the available evidence is currently insufficient to determine the role of this variant in disease. Therefore, it has been classified as a Variant of Uncertain Significance. Advanced modeling of protein sequence and biophysical properties (such as structural, functional, and spatial information, amino acid conservation, physicochemical variation, residue mobility, and thermodynamic stability) performed at Invitae indicates that this missense variant is not expected to disrupt CHRND protein function. ClinVar contains an entry for this variant (Variation ID: 1000042). This variant has not been reported in the literature in individuals affected with CHRND-related conditions. This variant is not present in population databases (gnomAD no frequency). This sequence change replaces glutamine, which is neutral and polar, with histidine, which is basic and polar, at codon 34 of the CHRND protein (p.Gln34His).

NM_000751.3(CHRND):c.102A>C (p.Gln34His)

Gene: CHRND (cholinergic receptor nicotinic delta subunit; plus strand). Cytogenetic location: 2q37.1.
Variant type: single nucleotide variant.
Coding change: c.102A>C on transcript NM_000751.3 (MANE Select); coding-DNA position 102, A replaced by C.
Protein change: p.Gln34His; replaces glutamine 34 with histidine.
Molecular consequence: missense variant. On other transcripts: 5 prime UTR variant (2).
Genome position (GRCh38, 1-based): chr2:232,526,578, A>C. VCF-style: chr2-232526578-A-C. GRCh37 (hg19) VCF-style: chr2-233391288-A-C.
Other names: c.102A>C, p.Gln34His (NM_001256657.2); c.-170A>C (NM_001311195.2, NM_001311196.2); short protein forms Q34H.
Identifiers: ClinVar variation 1000042 (VCV001000042.8), dbSNP rs780478522, ClinGen allele CA350995869.